The following is an entry in ClinVar:

NM_024675.4(PALB2):c.2514+10A>G

Gene: PALB2 (partner and localizer of BRCA2; minus strand). Cytogenetic location: 16p12.2.
Variant type: single nucleotide variant.
Coding change: c.2514+10A>G on transcript NM_024675.4 (MANE Select); 10 bases into the intron after coding-DNA position 2514, A replaced by G.
Molecular consequence: intron variant.
Genome position (GRCh38, 1-based): chr16:23,629,630, T>C on the plus strand (A>G on the coding strand, the complement: PALB2 is on the minus strand). VCF-style: chr16-23629630-T-C. GRCh37 (hg19) VCF-style: chr16-23640951-T-C.
Identifiers: ClinVar variation 492186 (VCV000492186.15), dbSNP rs1032636199, ClinGen allele CA279491824.
Genomic context (GRCh38, chr16:23,629,630, plus strand): 5'-TCATGCTGTTTACATTCACTAAGGCATTTCATTCCTTCAGAGAAAATTTCACAGAGGAAA[T>C]GGATTGTACCTGTTCGACGGAATGTTTATGCAGCTCCTGGCATGTGTTTCTACAGAGCTG-3'

ClinVar aggregate classification (germline): Benign/Likely benign. Review status: criteria provided, multiple submitters, no conflicts (2 of 4 stars). 4 submissions from 4 submitters: Benign (1); Likely benign (3). Last evaluated 2025-12-10.

Conditions:
Hereditary cancer-predisposing syndrome. Also called: Hereditary neoplastic syndrome; Tumor predisposition; Hereditary Cancer Syndrome; Neoplastic Syndromes, Hereditary. Identifiers: Orphanet 140162, MedGen C0027672, MeSH D009386, MONDO:0015356.
Familial cancer of breast. Also called: Hereditary breast cancer; hereditary breast carcinoma; BREAST CANCER, FAMILIAL. Identifiers: Orphanet 227535, MedGen C0346153, MONDO:0016419, OMIM 114480. Disease mechanism: loss of function.

Submissions (4):

Labcorp Genetics (formerly Invitae), Labcorp
Classification: Likely benign for Familial cancer of breast. Last evaluated: 2025-12-10. Review status: criteria provided, single submitter. Criteria: Invitae Variant Classification Sherloc (09022015). Collection method: clinical testing. Allele origin: germline.

Myriad Genetics, Inc.
Classification: Likely benign for Familial cancer of breast. Last evaluated: 2025-01-16. Review status: criteria provided, single submitter. Criteria: Myriad Autosomal Dominant, Autosomal Recessive and X-Linked Classification Criteria (2023). Collection method: clinical testing. Allele origin: unknown.
Comment: This variant is considered likely benign. This variant is intronic and is not expected to impact mRNA splicing.

Mendelics
Classification: Benign. Last evaluated: 2022-05-04. Review status: criteria provided, single submitter. Criteria: Mendelics Assertion Criteria 2019. Collection method: clinical testing. Allele origin: germline.

Color Diagnostics, LLC DBA Color Health
Classification: Likely benign for Hereditary cancer-predisposing syndrome. Last evaluated: 2017-08-02. Review status: criteria provided, single submitter. Criteria: ACMG Guidelines, 2015. Collection method: clinical testing. Allele origin: germline.